The following is an entry in ClinVar:

ClinVar aggregate classification (germline): Uncertain significance (1 of 4 stars; one submission).

Conditions:
Malignant hyperthermia, susceptibility to, 1 (MHS1). Also called: Anesthesia related hyperthermia; Malignant hyperpyrexia; Fulminating hyperpyrexia; Pharmacogenic myopathy; Malignant hyperthermia suceptibility 1; RYR1-Related Malignant Hyperthermia Susceptibility. Identifiers: Orphanet 423, MedGen C2930980, MONDO:0007783, OMIM 145600.

gnomAD v4.1: 2 of 1,613,602 alleles (0.00012%); highest among the groups gnomAD compares: East Asian, 0.0045%; no homozygotes.

Submission:

All of Us Research Program, National Institutes of Health
Classification: Uncertain significance for Malignant hyperthermia, susceptibility to, 1. Last evaluated: 2024-05-14. Review status: criteria provided, single submitter. Criteria: ACMG Guidelines, 2015. Collection method: clinical testing. Allele origin: germline. Inheritance: Autosomal dominant inheritance. Observed: 1 variant allele, 1 heterozygote.
Comment: This missense variant replaces isoleucine with valine at codon 2453 of the RYR1 protein. Computational prediction is inconclusive regarding the impact of this variant on protein structure and function (internally defined REVEL score threshold 0.5 < inconclusive < 0.7, PMID: 27666373). To our knowledge, functional studies have not been reported for this variant. This variant has not been reported in individuals affected with RYR1-related disorders in the literature. This variant has been identified in 2/251190 chromosomes in the general population by the Genome Aggregation Database (gnomAD). The available evidence is insufficient to determine the role of this variant in disease conclusively. Therefore, this variant is classified as a Variant of Uncertain Significance.

This study involves interpretation of variants in research participants for the purpose of population health screening. Participant phenotype was not available at the time of variant classification. Additional details can be found in publication PMID: 35346344, PMCID: PMC8962531

NM_000540.3(RYR1):c.7357A>G (p.Ile2453Val)

Gene: RYR1 (ryanodine receptor 1; plus strand). Cytogenetic location: 19q13.2.
Variant type: single nucleotide variant.
Coding change: c.7357A>G on transcript NM_000540.3 (MANE Select); coding-DNA position 7357, A replaced by G.
Protein change: p.Ile2453Val; replaces isoleucine 2453 with valine.
Molecular consequence: missense variant.
Genome position (GRCh38, 1-based): chr19:38,500,639, A>G. VCF-style: chr19-38500639-A-G. GRCh37 (hg19) VCF-style: chr19-38991279-A-G.
Other names: c.7357A>G, p.Ile2453Val (NM_001042723.2); short protein forms I2453V.
Identifiers: ClinVar variation 3385445 (VCV003385445.1).